The following is an entry in ClinVar:

NM_020320.5(RARS2):c.196A>G (p.Lys66Glu)

Gene: RARS2 (arginyl-tRNA synthetase 2, mitochondrial; minus strand). Cytogenetic location: 6q15.
Variant type: single nucleotide variant.
Coding change: c.196A>G on transcript NM_020320.5 (MANE Select); coding-DNA position 196, A replaced by G.
Protein change: p.Lys66Glu; replaces lysine 66 with glutamic acid.
Molecular consequence: missense variant. On other transcripts: 5 prime UTR variant (7), non-coding transcript variant (23).
Genome position (GRCh38, 1-based): chr6:87,564,147, T>C on the plus strand (A>G on the coding strand, the complement: RARS2 is on the minus strand). VCF-style: chr6-87564147-T-C. GRCh37 (hg19) VCF-style: chr6-88273865-T-C.
Other names: p.K66E:AAG>GAG; c.-274A>G (NM_001318785.2, NM_001350509.2); c.196A>G, p.Lys66Glu (NM_001350505.2); c.-330A>G (NM_001350506.2, NM_001350507.2, NM_001350510.2 and 1 more transcripts); c.-492A>G (NM_001350508.2); short protein forms K66E.
Identifiers: ClinVar variation 215051 (VCV000215051.1), dbSNP rs863224177, ClinGen allele CA322381.

ClinVar aggregate classification (germline): Likely benign (1 of 4 stars; one submission).

Allele frequency attached by ClinVar (database versions not stated): gnomAD exomes below 0.00001.
gnomAD v4.1: 1 of 1,609,936 alleles (0.000062%); highest among the groups gnomAD compares: East Asian, 0.0022%; no homozygotes.

Submission:

GeneDx
Classification: Likely benign. Last evaluated: 2014-07-08. Review status: criteria provided, single submitter. Criteria: GeneDx Variant Classification (06012015). Collection method: clinical testing. Allele origin: germline. Affected: yes.
Comment: This variant is considered likely benign or benign based on one or more of the following criteria: it is a conservative change, it occurs at a poorly conserved position in the protein, it is predicted to be benign by multiple in silico algorithms, and/or has population frequency not consistent with disease.